The following is an entry in ClinVar:

ClinVar aggregate classification (germline): Uncertain significance (1 of 4 stars; one submission).

Allele frequency attached by ClinVar (database versions not stated): TOPMed 0.00020.
gnomAD v4.1: 30 of 1,611,088 alleles (0.0019%); highest among the groups gnomAD compares: Admixed American, 0.042%; no homozygotes.

Submission:

Labcorp Genetics (formerly Invitae), Labcorp
Classification: Uncertain significance. Last evaluated: 2025-11-27. Review status: criteria provided, single submitter. Criteria: Invitae Variant Classification Sherloc (09022015). Collection method: clinical testing. Allele origin: germline.
Comment: This sequence change replaces glycine, which is neutral and non-polar, with arginine, which is basic and polar, at codon 219 of the PDX1 protein (p.Gly219Arg). The frequency data for this variant in the population databases is considered unreliable, as metrics indicate poor data quality at this position in the gnomAD database. This variant has not been reported in the literature in individuals affected with PDX1-related conditions. ClinVar contains an entry for this variant (Variation ID: 2715708). Invitae Evidence Modeling of protein sequence and biophysical properties (such as structural, functional, and spatial information, amino acid conservation, physicochemical variation, residue mobility, and thermodynamic stability) indicates that this missense variant is not expected to disrupt PDX1 protein function with a negative predictive value of 80%. In summary, the available evidence is currently insufficient to determine the role of this variant in disease. Therefore, it has been classified as a Variant of Uncertain Significance.

NM_000209.4(PDX1):c.655G>A (p.Gly219Arg)

Gene: PDX1 (pancreatic and duodenal homeobox 1; plus strand). Cytogenetic location: 13q12.2.
Variant type: single nucleotide variant.
Coding change: c.655G>A on transcript NM_000209.4 (MANE Select); coding-DNA position 655, G replaced by A.
Protein change: p.Gly219Arg; replaces glycine 219 with arginine.
Molecular consequence: missense variant.
Genome position (GRCh38, 1-based): chr13:27,924,504, G>A. VCF-style: chr13-27924504-G-A. GRCh37 (hg19) VCF-style: chr13-28498641-G-A.
Other names: short protein forms G219R.
Identifiers: ClinVar variation 2715708 (VCV002715708.3), dbSNP rs756067225, ClinGen allele CA387646261.